The following is an entry in ClinVar:

ClinVar aggregate classification (germline): Uncertain significance. Review status: criteria provided, multiple submitters, no conflicts (2 of 4 stars). 2 submissions from 2 submitters: Uncertain significance (2). Last evaluated 2024-09-09.

Conditions:
Inborn genetic diseases. Identifiers: MedGen C0950123, MeSH D030342.
ZNF292-related disorder. Also called: ZNF292-related condition.

Allele frequency attached by ClinVar (database versions not stated): ExAC 0.00001; TOPMed 0.00001; gnomAD exomes 0.00002; gnomAD 0.00003.
gnomAD v4.1: 28 of 1,613,070 alleles (0.0017%); highest among the groups gnomAD compares: Non-Finnish European, 0.0024%; no homozygotes.

Submissions (2):

Ambry Genetics
Classification: Uncertain significance for Inborn genetic diseases. Last evaluated: 2024-09-09. Review status: criteria provided, single submitter. Criteria: Ambry Variant Classification Scheme 2023. Collection method: clinical testing. Allele origin: germline.

PreventionGenetics, part of Exact Sciences
Classification: Uncertain significance for ZNF292-related condition. Last evaluated: 2022-11-11. Review status: criteria provided, single submitter. Criteria: ACMG Guidelines, 2015. Collection method: clinical testing. Allele origin: germline.
Comment: The ZNF292 c.3158A>G variant is predicted to result in the amino acid substitution p.Asn1053Ser. To our knowledge, this variant has not been reported in the literature. This variant is reported in 0.0023% of alleles in individuals of European (Non-Finnish) descent in gnomAD. At this time, the clinical significance of this variant is uncertain due to the absence of conclusive functional and genetic evidence.

NM_015021.3(ZNF292):c.3158A>G (p.Asn1053Ser)

Gene: ZNF292 (zinc finger protein 292; plus strand). Cytogenetic location: 6q14.3.
Variant type: single nucleotide variant.
Coding change: c.3158A>G on transcript NM_015021.3 (MANE Select); coding-DNA position 3158, A replaced by G.
Protein change: p.Asn1053Ser; replaces asparagine 1053 with serine.
Molecular consequence: missense variant.
Genome position (GRCh38, 1-based): chr6:87,256,787, A>G. VCF-style: chr6-87256787-A-G. GRCh37 (hg19) VCF-style: chr6-87966505-A-G.
Other names: c.2738A>G, p.Asn913Ser (NM_001351444.2); short protein forms N1053S, N913S.
Identifiers: ClinVar variation 2634948 (VCV002634948.2), dbSNP rs780555375, ClinGen allele CA3914069.